The following is an entry in ClinVar:

ClinVar aggregate classification (germline): Uncertain significance. Review status: criteria provided, multiple submitters, no conflicts (2 of 4 stars). 2 submissions from 2 submitters: Uncertain significance (2). Last evaluated 2025-09-27.

Allele frequency attached by ClinVar (database versions not stated): TOPMed 0.00002; ExAC 0.00003; gnomAD 0.00003 and 0.00004; gnomAD exomes 0.00003 and 0.00010; ESP Exome Variant Server 0.00008.
gnomAD v4.1: 145 of 1,613,994 alleles (0.009%); highest among the groups gnomAD compares: Non-Finnish European, 0.012%; no homozygotes.

Submissions (2):

Ambry Genetics
Classification: Uncertain significance. Last evaluated: 2025-09-27. Review status: criteria provided, single submitter. Criteria: Ambry Variant Classification Scheme 2023. Collection method: clinical testing. Allele origin: germline.

Labcorp Genetics (formerly Invitae), Labcorp
Classification: Uncertain significance. Last evaluated: 2025-07-21. Review status: criteria provided, single submitter. Criteria: Invitae Variant Classification Sherloc (09022015). Collection method: clinical testing. Allele origin: germline.
Comment: This sequence change replaces asparagine, which is neutral and polar, with serine, which is neutral and polar, at codon 1233 of the ADGRA3 protein (p.Asn1233Ser). This variant is present in population databases (rs140031824, gnomAD 0.005%). This variant has not been reported in the literature in individuals affected with ADGRA3-related conditions. ClinVar contains an entry for this variant (Variation ID: 1466165). An algorithm developed to predict the effect of missense changes on protein structure and function (PolyPhen-2) suggests that this variant is likely to be tolerated. In summary, the available evidence is currently insufficient to determine the role of this variant in disease. Therefore, it has been classified as a Variant of Uncertain Significance.

NM_145290.4(ADGRA3):c.3698A>G (p.Asn1233Ser)

Gene: ADGRA3 (adhesion G protein-coupled receptor A3; minus strand). Cytogenetic location: 4p15.2.
Variant type: single nucleotide variant.
Coding change: c.3698A>G on transcript NM_145290.4 (MANE Select); coding-DNA position 3698, A replaced by G.
Protein change: p.Asn1233Ser; replaces asparagine 1233 with serine.
Molecular consequence: missense variant.
Genome position (GRCh38, 1-based): chr4:22,387,973, T>C on the plus strand (A>G on the coding strand, the complement: ADGRA3 is on the minus strand). VCF-style: chr4-22387973-T-C. GRCh37 (hg19) VCF-style: chr4-22389596-T-C.
Other names: c.3698A>G (NM_145290.2); short protein forms N1233S.
Identifiers: ClinVar variation 1466165 (VCV001466165.7), dbSNP rs140031824, ClinGen allele CA2873312.
Genomic context (GRCh38, chr4:22,387,973, plus strand): 5'-AAATTTCTGCTACTTTTGGGAAGTGTGCTACAAGCATCGCTGCTGTCTTGCTGGGGTGGG[T>C]TGTACTGTCTCTCTCTGTAGGCTAAATAAGCTCTTCGGCTCCTCGAGTGTCCTTCGTTAT-3'
Protein context (NP_660333.2, residues 1223-1243): AYLAYRERQY[Asn1233Ser]PPQQDSSDAC